The following is an entry in ClinVar:

NM_001379500.1(COL18A1):c.1544T>C (p.Val515Ala)

Gene: COL18A1 (collagen type XVIII alpha 1 chain; plus strand). Cytogenetic location: 21q22.3.
Variant type: single nucleotide variant.
Coding change: c.1544T>C on transcript NM_001379500.1 (MANE Select); coding-DNA position 1544, T replaced by C.
Protein change: p.Val515Ala; replaces valine 515 with alanine.
Molecular consequence: missense variant.
Genome position (GRCh38, 1-based): chr21:45,480,791, T>C. VCF-style: chr21-45480791-T-C. GRCh37 (hg19) VCF-style: chr21-46900705-T-C.
Other names: c.2084T>C, p.Val695Ala (NM_030582.4); c.2789T>C, p.Val930Ala (NM_130444.3); short protein forms V695A, V515A, V930A.
Identifiers: ClinVar variation 1482240 (VCV001482240.6), dbSNP rs780113129, ClinGen allele CA410517831.

ClinVar aggregate classification (germline): Uncertain significance (1 of 4 stars; one submission).

Allele frequency attached by ClinVar (database versions not stated): gnomAD exomes below 0.00001.
gnomAD v4.1: 1 of 1,611,436 alleles (0.000062%); highest among the groups gnomAD compares: Non-Finnish European, 0.000085%; no homozygotes.

Submission:

Labcorp Genetics (formerly Invitae), Labcorp
Classification: Uncertain significance. Last evaluated: 2021-11-30. Review status: criteria provided, single submitter. Criteria: Invitae Variant Classification Sherloc (09022015). Collection method: clinical testing. Allele origin: germline.
Comment: This sequence change replaces valine, which is neutral and non-polar, with alanine, which is neutral and non-polar, at codon 515 of the COL18A1 protein (p.Val515Ala). The frequency data for this variant in the population databases is considered unreliable, as metrics indicate poor data quality at this position in the gnomAD database. This variant has not been reported in the literature in individuals affected with COL18A1-related conditions. Experimental studies and prediction algorithms are not available or were not evaluated, and the functional significance of this variant is currently unknown. In summary, the available evidence is currently insufficient to determine the role of this variant in disease. Therefore, it has been classified as a Variant of Uncertain Significance.